The following is an entry in ClinVar:

ClinVar aggregate classification (germline): Uncertain significance (1 of 4 stars; one submission).

Conditions:
Inborn genetic diseases. Identifiers: MedGen C0950123, MeSH D030342.

Submission:

Ambry Genetics
Classification: Uncertain significance for Inborn genetic diseases. Last evaluated: 2026-07-27. Review status: criteria provided, single submitter. Criteria: Ambry Variant Classification Scheme 2023. Collection method: clinical testing. Allele origin: germline.
Comment: The p.A413T variant (also known as c.1237G>A), located in coding exon 10 of the FANCG gene, results from a G to A substitution at nucleotide position 1237. The alanine at codon 413 is replaced by threonine, an amino acid with similar properties. This amino acid position is conserved. In addition, the in silico prediction for this alteration is inconclusive. Based on the available evidence, the clinical significance of this variant remains unclear.

NM_004629.2(FANCG):c.1237G>A (p.Ala413Thr)

Gene: FANCG (FA complementation group G; minus strand). Cytogenetic location: 9p13.3.
Variant type: single nucleotide variant.
Coding change: c.1237G>A on transcript NM_004629.2 (MANE Select); coding-DNA position 1237, G replaced by A.
Protein change: p.Ala413Thr; replaces alanine 413 with threonine.
Molecular consequence: missense variant.
Genome position (GRCh38, 1-based): chr9:35,075,661, C>T on the plus strand (G>A on the coding strand, the complement: FANCG is on the minus strand). VCF-style: chr9-35075661-C-T. GRCh37 (hg19) VCF-style: chr9-35075658-C-T.
Other names: short protein forms A413T.
Identifiers: ClinVar variation 5036518 (VCV005036518.1).